The following is an entry in ClinVar:

NM_007194.4(CHEK2):c.437T>A (p.Ile146Asn)

Gene: CHEK2 (checkpoint kinase 2; minus strand). Cytogenetic location: 22q12.1.
Variant type: single nucleotide variant.
Coding change: c.437T>A on transcript NM_007194.4 (MANE Select); coding-DNA position 437, T replaced by A.
Protein change: p.Ile146Asn; replaces isoleucine 146 with asparagine.
Molecular consequence: missense variant.
Genome position (GRCh38, 1-based): chr22:28,725,250, A>T on the plus strand (T>A on the coding strand, the complement: CHEK2 is on the minus strand). VCF-style: chr22-28725250-A-T. GRCh37 (hg19) VCF-style: chr22-29121238-A-T.
Other names: c.566T>A, p.Ile189Asn (NM_001005735.3); c.-341T>A (NM_001257387.3); c.437T>A, p.Ile146Asn (NM_001349956.3, NM_145862.3); short protein forms I189N, I146N.
Identifiers: ClinVar variation 1740151 (VCV001740151.3), dbSNP rs2146066581, ClinGen allele CA411107888.

ClinVar aggregate classification (germline): Uncertain significance. Review status: criteria provided, multiple submitters, no conflicts (2 of 4 stars). 2 submissions from 2 submitters: Uncertain significance (2). Last evaluated 2025-10-06.

Conditions:
Hereditary cancer-predisposing syndrome. Also called: Hereditary Cancer Syndrome; Hereditary neoplastic syndrome; Neoplastic Syndromes, Hereditary; Tumor predisposition. Identifiers: Orphanet 140162, MedGen C0027672, MeSH D009386, MONDO:0015356.
Familial cancer of breast. Also called: Hereditary breast cancer; BREAST CANCER, FAMILIAL; hereditary breast carcinoma. Identifiers: Orphanet 227535, MedGen C0346153, MONDO:0016419, OMIM 114480. Disease mechanism: loss of function.

Allele frequency attached by ClinVar (database versions not stated): gnomAD exomes below 0.00001.
gnomAD v4.1: 1 of 1,614,090 alleles (0.000062%); highest among the groups gnomAD compares: Non-Finnish European, 0.000085%; no homozygotes.

Submissions (2):

Labcorp Genetics (formerly Invitae), Labcorp
Classification: Uncertain significance for Familial cancer of breast. Last evaluated: 2025-10-06. Review status: criteria provided, single submitter. Criteria: Invitae Variant Classification Sherloc (09022015). Collection method: clinical testing. Allele origin: germline.
Comment: This sequence change replaces isoleucine, which is neutral and non-polar, with asparagine, which is neutral and polar, at codon 146 of the CHEK2 protein (p.Ile146Asn). This variant is not present in population databases (gnomAD no frequency). This variant has not been reported in the literature in individuals affected with CHEK2-related conditions. ClinVar contains an entry for this variant (Variation ID: 1740151). An algorithm developed to predict the effect of missense changes on protein structure and function (PolyPhen-2) suggests that this variant is likely to be disruptive. In summary, the available evidence is currently insufficient to determine the role of this variant in disease. Therefore, it has been classified as a Variant of Uncertain Significance.

Ambry Genetics
Classification: Uncertain significance for Hereditary cancer-predisposing syndrome. Last evaluated: 2022-05-17. Review status: criteria provided, single submitter. Criteria: Ambry Variant Classification Scheme 2023. Collection method: clinical testing. Allele origin: germline.
Comment: The p.I146N variant (also known as c.437T>A), located in coding exon 2 of the CHEK2 gene, results from a T to A substitution at nucleotide position 437. The isoleucine at codon 146 is replaced by asparagine, an amino acid with dissimilar properties. This amino acid position is conserved. In addition, this alteration is predicted to be deleterious by in silico analysis. Since supporting evidence is limited at this time, the clinical significance of this alteration remains unclear.